The following is an entry in ClinVar:

ClinVar aggregate classification (germline): Uncertain significance (1 of 4 stars; one submission).

Submission:

GeneDx
Classification: Uncertain significance. Last evaluated: 2024-12-12. Review status: criteria provided, single submitter. Criteria: GeneDx Variant Classification Process June 2021. Collection method: clinical testing. Allele origin: germline. Affected: yes.
Comment: Not observed at significant frequency in large population cohorts (gnomAD); In silico analysis supports that this missense variant has a deleterious effect on protein structure/function; Has not been previously published as pathogenic or benign to our knowledge

NM_000088.4(COL1A1):c.3904C>A (p.Pro1302Thr)

Gene: COL1A1 (collagen type I alpha 1 chain; minus strand). Cytogenetic location: 17q21.33.
Variant type: single nucleotide variant.
Coding change: c.3904C>A on transcript NM_000088.4 (MANE Select); coding-DNA position 3904, C replaced by A.
Protein change: p.Pro1302Thr; replaces proline 1302 with threonine.
Molecular consequence: missense variant.
Genome position (GRCh38, 1-based): chr17:50,186,418, G>T on the plus strand (C>A on the coding strand, the complement: COL1A1 is on the minus strand). VCF-style: chr17-50186418-G-T. GRCh37 (hg19) VCF-style: chr17-48263779-G-T.
Other names: short protein forms P1302T.
Identifiers: ClinVar variation 3902912 (VCV003902912.1).